The following is an entry in ClinVar:

ClinVar aggregate classification (germline): Uncertain significance (1 of 4 stars; one submission).

Conditions:
Hereditary spastic paraplegia 4. Also called: Spastic Paraplegia 4; Spastic paraplegia 4, autosomal dominant; Familial spastic paraplegia autosomal dominant 2. Identifiers: Orphanet 100985, MedGen C1866855, MONDO:0008438, OMIM 182601.

Submission:

Labcorp Genetics (formerly Invitae), Labcorp
Classification: Uncertain significance for Hereditary spastic paraplegia 4. Last evaluated: 2022-06-20. Review status: criteria provided, single submitter. Criteria: Invitae Variant Classification Sherloc (09022015). Collection method: clinical testing. Allele origin: germline.
Comment: In summary, the available evidence is currently insufficient to determine the role of this variant in disease. Therefore, it has been classified as a Variant of Uncertain Significance. Advanced modeling of protein sequence and biophysical properties (such as structural, functional, and spatial information, amino acid conservation, physicochemical variation, residue mobility, and thermodynamic stability) performed at Invitae indicates that this missense variant is expected to disrupt SPAST protein function. This variant has not been reported in the literature in individuals affected with SPAST-related conditions. This variant is not present in population databases (gnomAD no frequency). This sequence change replaces glycine, which is neutral and non-polar, with cysteine, which is neutral and slightly polar, at codon 382 of the SPAST protein (p.Gly382Cys).

NM_014946.4(SPAST):c.1144G>T (p.Gly382Cys)

Gene: SPAST (spastin; plus strand). Cytogenetic location: 2p22.3.
Variant type: single nucleotide variant.
Coding change: c.1144G>T on transcript NM_014946.4 (MANE Select); coding-DNA position 1144, G replaced by T.
Protein change: p.Gly382Cys; replaces glycine 382 with cysteine.
Molecular consequence: missense variant.
Genome position (GRCh38, 1-based): chr2:32,126,993, G>T. VCF-style: chr2-32126993-G-T. GRCh37 (hg19) VCF-style: chr2-32352062-G-T.
Other names: c.1141G>T, p.Gly381Cys (NM_001363823.2); c.1045G>T, p.Gly349Cys (NM_001363875.2); c.1048G>T, p.Gly350Cys (NM_001377959.1, NM_199436.2); short protein forms G349C, G350C, G382C, G381C.
Identifiers: ClinVar variation 2008594 (VCV002008594.4), dbSNP rs1553316826, ClinGen allele CA346501288.